The following is an entry in ClinVar:

NM_015107.3(PHF8):c.2785G>A (p.Val929Ile)

Gene: PHF8 (PHD finger protein 8; minus strand). Cytogenetic location: Xp11.22.
Variant type: single nucleotide variant.
Coding change: c.2785G>A on transcript NM_015107.3 (MANE Select); coding-DNA position 2785, G replaced by A.
Protein change: p.Val929Ile; replaces valine 929 with isoleucine.
Molecular consequence: missense variant.
Genome position (GRCh38, 1-based): chrX:53,940,381, C>T on the plus strand (G>A on the coding strand, the complement: PHF8 is on the minus strand). VCF-style: chrX-53940381-C-T. GRCh37 (hg19) VCF-style: chrX-53966814-C-T.
Other names: c.2893G>A, p.Val965Ile (NM_001184896.1); c.2482G>A, p.Val828Ile (NM_001184897.2); short protein forms V828I, V929I, V965I.
Identifiers: ClinVar variation 4056715 (VCV004056715.1).

ClinVar aggregate classification (germline): Uncertain significance (1 of 4 stars; one submission).

Conditions:
Intellectual developmental disorder, X-linked, syndromic, Siderius type. Also called: Syndromic X-linked intellectual disability Siderius type. Identifiers: Orphanet 85287, MedGen C1846055, MONDO:0010286, OMIM 300263.

Submission:

Laboratorio de Genetica e Diagnostico Molecular, Hospital Israelita Albert Einstein
Classification: Uncertain significance for Intellectual developmental disorder, X-linked, syndromic, Siderius type. Last evaluated: 2024-12-20. Review status: criteria provided, single submitter. Criteria: ACMG Guidelines, 2015. Collection method: clinical testing. Allele origin: germline. Affected: yes.
Comment: ACMG classification criteria: PM2 supporting, BP4 supporting